The following is an entry in ClinVar:

ClinVar aggregate classification (germline): Uncertain significance (1 of 4 stars; one submission).

Submission:

GeneDx
Classification: Uncertain significance. Last evaluated: 2024-03-12. Review status: criteria provided, single submitter. Criteria: GeneDx Variant Classification Process June 2021. Collection method: clinical testing. Allele origin: germline. Affected: yes.
Comment: Not observed at significant frequency in large population cohorts (gnomAD); In silico analysis supports that this missense variant does not alter protein structure/function; Has not been previously published as pathogenic or benign to our knowledge

NM_152641.4(ARID2):c.669A>C (p.Glu223Asp)

Gene: ARID2 (AT-rich interaction domain 2; plus strand). Cytogenetic location: 12q12.
Variant type: single nucleotide variant.
Coding change: c.669A>C on transcript NM_152641.4 (MANE Select); coding-DNA position 669, A replaced by C.
Protein change: p.Glu223Asp; replaces glutamic acid 223 with aspartic acid.
Molecular consequence: missense variant.
Genome position (GRCh38, 1-based): chr12:45,821,451, A>C. VCF-style: chr12-45821451-A-C. GRCh37 (hg19) VCF-style: chr12-46215234-A-C.
Other names: c.669A>C, p.Glu223Asp (NM_001347839.2); short protein forms E223D.
Identifiers: ClinVar variation 3370923 (VCV003370923.1).